The following is an entry in ClinVar:

ClinVar aggregate classification (germline): Pathogenic. Review status: criteria provided, multiple submitters, no conflicts (2 of 4 stars). 2 submissions from 2 submitters: Pathogenic (2). Last evaluated 2023-03-13.

Conditions:
Retinoblastoma (RB1). Also called: RETINOBLASTOMA, SOMATIC. Identifiers: Orphanet 790, MedGen C0035335, MeSH D012175, MONDO:0008380, OMIM 180200, HP:0009919. Disease mechanism: loss of function. Inheritance: Both sporadic and heritable forms are tested..

Submissions (2):

GeneDx
Classification: Pathogenic. Last evaluated: 2023-03-13. Review status: criteria provided, single submitter. Criteria: GeneDx Variant Classification Process June 2021. Collection method: clinical testing. Allele origin: germline. Affected: yes.
Comment: Canonical splice site variant predicted to result in a null allele in a gene for which loss of function is a known mechanism of disease; Not observed at significant frequency in large population cohorts (gnomAD); Identified in individuals with retinoblastoma referred for genetic testing at GeneDx and in published literature (Richter et al., 2003); This variant is associated with the following publications: (PMID: 25525159, 12541220)

Labcorp Genetics (formerly Invitae), Labcorp
Classification: Pathogenic for Retinoblastoma. Last evaluated: 2021-04-14. Review status: criteria provided, single submitter. Criteria: Invitae Variant Classification Sherloc (09022015). Collection method: clinical testing. Allele origin: germline.
Comment: For these reasons, this variant has been classified as Pathogenic. Algorithms developed to predict the effect of sequence changes on RNA splicing suggest that this variant may disrupt the consensus splice site, but this prediction has not been confirmed by published transcriptional studies. This variant has been observed in individual(s) with retinoblastoma (PMID: 12541220). This variant is not present in population databases (ExAC no frequency). This sequence change affects a donor splice site in intron 17 of the RB1 gene. It is expected to disrupt RNA splicing. Variants that disrupt the donor or acceptor splice site typically lead to a loss of protein function (PMID: 16199547), and loss-of-function variants in RB1 are known to be pathogenic (PMID: 17096365).

Literature cited by the submitters: PubMed 12541220 (cited by Labcorp Genetics (formerly Invitae), Labcorp); PubMed 16199547 (cited by Labcorp Genetics (formerly Invitae), Labcorp); PubMed 17096365 (cited by Labcorp Genetics (formerly Invitae), Labcorp).

NM_000321.3(RB1):c.1695+2T>G

Gene: RB1 (RB transcriptional corepressor 1; plus strand). Cytogenetic location: 13q14.2.
Variant type: single nucleotide variant.
Coding change: c.1695+2T>G on transcript NM_000321.3 (MANE Select); the canonical splice donor site of the intron after coding-DNA position 1695, T replaced by G.
Molecular consequence: splice donor variant. On other transcripts: missense variant (1).
Genome position (GRCh38, 1-based): chr13:48,381,445, T>G. VCF-style: chr13-48381445-T-G. GRCh37 (hg19) VCF-style: chr13-48955581-T-G.
Other names: c.1697T>G, p.Val566Gly (NM_001407166.1); c.1695+2T>G (NM_001407165.1); short protein forms V566G.
Identifiers: ClinVar variation 1453499 (VCV001453499.9), dbSNP rs2138145859, ClinGen allele CA388164075.
Genomic context (GRCh38, chr13:48,381,445, plus strand): 5'-TGATAAAACATTTAGAACGATGTGAACATCGAATCATGGAATCCCTTGCATGGCTCTCAG[T>G]AAGTAGCTAAATAATTGAAGAAATTCATTCATGTGCATATGGCTAACAAATTATTGTTAG-3'